The following is an entry in ClinVar:

ClinVar aggregate classification (germline): Likely benign (1 of 4 stars; one submission).

Allele frequency attached by ClinVar (database versions not stated): gnomAD 0.00011 and 0.00020; ExAC 0.00013; TOPMed 0.00014; gnomAD exomes 0.00017 and 0.00035; 1000 Genomes Project 30x 0.00078; 1000 Genomes Project 0.00080.

Submission:

GeneDx
Classification: Likely benign. Last evaluated: 2016-05-18. Review status: criteria provided, single submitter. Criteria: GeneDx Variant Classification (06012015). Collection method: clinical testing. Allele origin: germline. Affected: yes.
Comment: This variant is considered likely benign or benign based on one or more of the following criteria: it is a conservative change, it occurs at a poorly conserved position in the protein, it is predicted to be benign by multiple in silico algorithms, and/or has population frequency not consistent with disease.

NM_033118.4(MYLK2):c.*9C>T

Gene: MYLK2 (myosin light chain kinase 2; plus strand). Cytogenetic location: 20q11.21.
Variant type: single nucleotide variant.
Coding change: c.*9C>T on transcript NM_033118.4 (MANE Select); 9 bases downstream of the stop codon, C replaced by T.
Molecular consequence: 3 prime UTR variant.
Genome position (GRCh38, 1-based): chr20:31,833,806, C>T. VCF-style: chr20-31833806-C-T. GRCh37 (hg19) VCF-style: chr20-30421609-C-T.
Identifiers: ClinVar variation 386336 (VCV000386336.1), dbSNP rs199816743, ClinGen allele CA9803340.
Genomic context (GRCh38, chr20:31,833,806, plus strand): 5'-CCGCTTCAAGAAGATCAGCAGCTCGGGGGCACTGATGGCTCTGGGGGTCTGAGCCCTGGG[C>T]GCAGCTGAAGCCTGGACGCAGCCACACAGTGGCCGGGGCTGAAGCCACACAGCCCAGAAG-3'